The following is an entry in ClinVar:

ClinVar aggregate classification (germline): Likely benign (1 of 4 stars; one submission).

Allele frequency attached by ClinVar (database versions not stated): 1000 Genomes Project 30x 0.00016; 1000 Genomes Project 0.00020; ESP Exome Variant Server 0.00023; ExAC 0.00049; gnomAD 0.00074; gnomAD exomes 0.00075; TOPMed 0.00099.
gnomAD v4.1: 1,223 of 1,614,248 alleles (0.076%); highest among the groups gnomAD compares: Admixed American, 0.16%; 1 homozygote.

Submission:

CeGaT Center for Human Genetics Tuebingen
Classification: Likely benign. Last evaluated: 2022-03-01. Review status: criteria provided, single submitter. Criteria: CeGaT Center For Human Genetics Tuebingen Variant Classification Criteria Version 2. Collection method: clinical testing. Allele origin: germline. Affected: yes. Observed: 1 variant allele.
Comment: URB2: BP4, BP7

NM_014777.4(URB2):c.1533G>A (p.Leu511=)

Gene: URB2 (URB2 ribosome biogenesis homolog; plus strand). Cytogenetic location: 1q42.13.
Variant type: single nucleotide variant.
Coding change: c.1533G>A on transcript NM_014777.4 (MANE Select); coding-DNA position 1533, G replaced by A.
Protein change: p.Leu511=; no amino-acid change (leucine 511 retained).
Molecular consequence: synonymous variant.
Genome position (GRCh38, 1-based): chr1:229,636,146, G>A. VCF-style: chr1-229636146-G-A. GRCh37 (hg19) VCF-style: chr1-229771893-G-A.
Other names: c.1533G>A, p.Leu511= (NM_001314021.2).
Identifiers: ClinVar variation 2640064 (VCV002640064.24), dbSNP rs138812286, ClinGen allele CA1445271.
Genomic context (GRCh38, chr1:229,636,146, plus strand): 5'-CTCGGGCCCCTCCACGGTACTCTCTGCATGCCTCCTGGAGCTGCCTCCAAGTCAGATCCT[G>A]GACACGTGGTCCCTTGTGCTGGAGAAGTTCCAGTCTTTAGTCTTGCCCTATTTGCAGAGT-3'
Protein context (NP_055592.2, residues 501-521): CLLELPPSQI[Leu511=]DTWSLVLEKF